The following is an entry in ClinVar:

NM_002875.5(RAD51):c.170A>G (p.Lys57Arg)

Gene: RAD51 (RAD51 recombinase; plus strand). Cytogenetic location: 15q15.1.
Variant type: single nucleotide variant.
Coding change: c.170A>G on transcript NM_002875.5 (MANE Select); coding-DNA position 170, A replaced by G.
Protein change: p.Lys57Arg; replaces lysine 57 with arginine.
Molecular consequence: missense variant.
Genome position (GRCh38, 1-based): chr15:40,701,146, A>G. VCF-style: chr15-40701146-A-G. GRCh37 (hg19) VCF-style: chr15-40993344-A-G.
Other names: c.170A>G, p.Lys57Arg (NM_001164269.2, NM_001164270.2, NM_133487.4); short protein forms K57R.
Identifiers: ClinVar variation 2712782 (VCV002712782.3), dbSNP rs1448625265, ClinGen allele CA391746135.
Genomic context (GRCh38, chr15:40,701,146, plus strand): 5'-ATGTGAAGAAATTGGAAGAAGCTGGATTCCATACTGTGGAGGCTGTTGCCTATGCGCCAA[A>G]GAAGGAGCTAATAAATATTAAGGGAATTAGTGAAGCCAAAGCTGATAAAATTCTGGTAAG-3'
Protein context (NP_002866.2, residues 47-67): HTVEAVAYAP[Lys57Arg]KELINIKGIS

ClinVar aggregate classification (germline): Uncertain significance (1 of 4 stars; one submission).

Allele frequency attached by ClinVar (database versions not stated): gnomAD exomes 0.00002.
gnomAD v4.1: 11 of 1,614,242 alleles (0.00068%); highest among the groups gnomAD compares: East Asian, 0.025%; no homozygotes.

Submission:

Labcorp Genetics (formerly Invitae), Labcorp
Classification: Uncertain significance. Last evaluated: 2023-09-12. Review status: criteria provided, single submitter. Criteria: Invitae Variant Classification Sherloc (09022015). Collection method: clinical testing. Allele origin: germline.
Comment: In summary, the available evidence is currently insufficient to determine the role of this variant in disease. Therefore, it has been classified as a Variant of Uncertain Significance. Experimental studies are conflicting or provide insufficient evidence to determine the effect of this variant on RAD51 function (PMID: 35061896). An algorithm developed to predict the effect of missense changes on protein structure and function (PolyPhen-2) suggests that this variant is likely to be tolerated. This variant has not been reported in the literature in individuals affected with RAD51-related conditions. This variant is present in population databases (no rsID available, gnomAD 0.006%). This sequence change replaces lysine, which is basic and polar, with arginine, which is basic and polar, at codon 57 of the RAD51 protein (p.Lys57Arg).

Literature cited by the submitters: PubMed 35061896.